The following is an entry in ClinVar:

NM_001161352.2(KCNMA1):c.378+848G>A

Gene: KCNMA1 (potassium calcium-activated channel subfamily M alpha 1; minus strand). Cytogenetic location: 10q22.3.
Variant type: single nucleotide variant.
Coding change: c.378+848G>A on transcript NM_001161352.2 (MANE Select); 848 bases into the intron after coding-DNA position 378, G replaced by A.
Molecular consequence: intron variant. On other transcripts: 3 prime UTR variant (2), synonymous variant (1), missense variant (1).
Genome position (GRCh38, 1-based): chr10:77,636,417, C>T on the plus strand (G>A on the coding strand, the complement: KCNMA1 is on the minus strand). VCF-style: chr10-77636417-C-T. GRCh37 (hg19) VCF-style: chr10-79396175-C-T.
Other names: c.*326G>A (NM_001271520.2); c.*144G>A (NM_001271521.2); c.477G>A, p.Ala159= (NM_001271522.2); c.644G>A, p.Arg215His (NM_001322839.2); c.378+848G>A (NM_001271518.2, NM_001322832.2, NM_001410940.1 and 11 more transcripts); short protein forms R215H.
Identifiers: ClinVar variation 4280865 (VCV004280865.7).

ClinVar aggregate classification (germline): Likely benign (1 of 4 stars; one submission).

gnomAD v4.1: 253 of 1,536,152 alleles (0.016%); highest among the groups gnomAD compares: Non-Finnish European, 0.021%; no homozygotes.

Submission:

CeGaT Center for Human Genetics Tuebingen
Classification: Likely benign. Last evaluated: 2025-09-01. Review status: criteria provided, single submitter. Criteria: CeGaT Center For Human Genetics Tuebingen Variant Classification Criteria Version 2. Collection method: clinical testing. Allele origin: germline. Affected: yes. Observed: 1 variant allele.
Comment: KCNMA1: BP4, BP7